The following is an entry in ClinVar:

ClinVar aggregate classification (germline): Uncertain significance (1 of 4 stars; one submission).

Submission:

Mayo Clinic Laboratories, Mayo Clinic
Classification: Uncertain significance. Last evaluated: 2025-10-13. Review status: criteria provided, single submitter. Criteria: ACMG Guidelines, 2015. Collection method: clinical testing. Allele origin: germline. Observed: 1 variant allele.
Comment: BP4_moderate, PM2_supporting

NM_003052.5(SLC34A1):c.146T>C (p.Phe49Ser)

Gene: SLC34A1 (solute carrier family 34 member 1; plus strand). Cytogenetic location: 5q35.3.
Variant type: single nucleotide variant.
Coding change: c.146T>C on transcript NM_003052.5 (MANE Select); coding-DNA position 146, T replaced by C.
Protein change: p.Phe49Ser; replaces phenylalanine 49 with serine.
Molecular consequence: missense variant.
Genome position (GRCh38, 1-based): chr5:177,386,023, T>C. VCF-style: chr5-177386023-T-C. GRCh37 (hg19) VCF-style: chr5-176813024-T-C.
Other names: p.Phe49Ser; c.146T>C, p.Phe49Ser (NM_001167579.2); short protein forms F49S.
Identifiers: ClinVar variation 4541090 (VCV004541090.1).